The following is an entry in ClinVar:

NM_003126.4(SPTA1):c.3177G>T (p.Gln1059His)

Gene: SPTA1 (spectrin alpha, erythrocytic 1; minus strand). Cytogenetic location: 1q23.1.
Variant type: single nucleotide variant.
Coding change: c.3177G>T on transcript NM_003126.4 (MANE Select); coding-DNA position 3177, G replaced by T.
Protein change: p.Gln1059His; replaces glutamine 1059 with histidine.
Molecular consequence: missense variant.
Genome position (GRCh38, 1-based): chr1:158,653,285, C>A on the plus strand (G>T on the coding strand, the complement: SPTA1 is on the minus strand). VCF-style: chr1-158653285-C-A. GRCh37 (hg19) VCF-style: chr1-158623075-C-A.
Other names: short protein forms Q1059H.
Identifiers: ClinVar variation 3766970 (VCV003766970.1).

ClinVar aggregate classification (germline): Uncertain significance (1 of 4 stars; one submission).

gnomAD v4.1: 1 of 1,614,156 alleles (0.000062%); highest among the groups gnomAD compares: East Asian, 0.0022%; no homozygotes.

Submission:

ARUP Laboratories, Molecular Genetics and Genomics, ARUP Laboratories
Classification: Uncertain significance. Last evaluated: 2024-11-08. Review status: criteria provided, single submitter. Criteria: ARUP Molecular Germline Variant Investigation Process 2024. Collection method: clinical testing. Allele origin: germline.
Comment: The SPTA1 c.3177G>T; p.Gln1059His variant, to our knowledge, is not reported in the medical literature or gene specific databases. This variant is also absent from the Genome Aggregation Database (v2.1.1), indicating it is not a common polymorphism. Computational analyses are uncertain whether this variant is neutral or deleterious (REVEL: 0.172). Due to limited information, the clinical significance of this variant is uncertain at this time.